The following is an entry in ClinVar:

NM_001161352.2(KCNMA1):c.2398G>T (p.Asp800Tyr)

Genes: KCNMA1 (potassium calcium-activated channel subfamily M alpha 1; minus strand), KCNMA1-AS1 (KCNMA1 antisense RNA 1; plus strand). Cytogenetic location: 10q22.3.
Variant type: single nucleotide variant.
Coding change: c.2398G>T on transcript NM_001161352.2 (MANE Select); coding-DNA position 2398, G replaced by T.
Protein change: p.Asp800Tyr; replaces aspartic acid 800 with tyrosine.
Molecular consequence: missense variant.
Genome position (GRCh38, 1-based): chr10:76,953,887, C>A on the plus strand (G>T on the coding strand, the complement: KCNMA1 is on the minus strand). VCF-style: chr10-76953887-C-A. GRCh37 (hg19) VCF-style: chr10-78713645-C-A.
Other names: c.2236G>T, p.Asp746Tyr (NM_001014797.3, NM_001322835.2, NM_001322837.2); c.2224G>T, p.Asp742Tyr (NM_001161353.2, NM_001322832.2, NM_002247.4); c.2074G>T, p.Asp692Tyr (NM_001271518.2); c.2233G>T, p.Asp745Tyr (NM_001271519.2, NM_001322829.2, NM_001322836.2); c.2245G>T, p.Asp749Tyr (NM_001322830.2); c.1771G>T, p.Asp591Tyr (NM_001322838.2); short protein forms D746Y, D749Y, D800Y, D591Y, D742Y, D692Y, D745Y.
Identifiers: ClinVar variation 623744 (VCV000623744.61), dbSNP rs142210216, ClinGen allele CA5568098.

ClinVar aggregate classification (germline): Conflicting classifications of pathogenicity. Review status: criteria provided, conflicting classifications (1 of 4 stars). 6 submissions from 6 submitters: Uncertain significance (4); Benign (1); Likely benign (1). Last evaluated 2026-08-07.

Conditions:
Generalized epilepsy-paroxysmal dyskinesia syndrome (PNKD3). Also called: Generalized epilepsy and paroxysmal dyskinesia; Paroxysmal nonkinesigenic dyskinesia, 3, with or without generalized epilepsy. Identifiers: Orphanet 79137, MedGen C5574945, MONDO:0012276, OMIM 609446.

Allele frequency attached by ClinVar (database versions not stated): gnomAD exomes 0.00016 and 0.00029; ExAC 0.00021; gnomAD 0.00021; ESP Exome Variant Server 0.00023; TOPMed 0.00026.
gnomAD v4.1: 287 of 1,614,034 alleles (0.018%); highest among the groups gnomAD compares: Middle Eastern, 0.049%; no homozygotes.

Submissions (6):

GeneDx
Classification: Uncertain significance. Last evaluated: 2026-08-07. Review status: criteria provided, single submitter. Criteria: GeneDx Variant Classification Process June 2021. Collection method: clinical testing. Allele origin: germline.
Comment: Reported previously in the heterozygous state and as a variant of uncertain significance (in an alternate transcript) in a patient with infantile spasms, generalized tonic-clonic seizures, motor delay, and possible paroxysmal non-kinesigenic dyskinesia (PMID: 34224328); In silico analysis supports that this missense variant has a deleterious effect on protein structure/function; This variant is associated with the following publications: (PMID: 34224328)

Labcorp Genetics (formerly Invitae), Labcorp
Classification: Likely benign for Generalized epilepsy-paroxysmal dyskinesia syndrome. Last evaluated: 2026-01-28. Review status: criteria provided, single submitter. Criteria: Invitae Variant Classification Sherloc (09022015). Collection method: clinical testing. Allele origin: germline.

ARUP Laboratories, Molecular Genetics and Genomics, ARUP Laboratories
Classification: Uncertain significance. Last evaluated: 2024-05-28. Review status: criteria provided, single submitter. Criteria: ARUP Molecular Germline Variant Investigation Process 2024. Collection method: clinical testing. Allele origin: germline.

Athena Diagnostics
Classification: Benign. Last evaluated: 2018-10-18. Review status: criteria provided, single submitter. Criteria: Athena Diagnostics Criteria. Collection method: clinical testing. Allele origin: germline.

CeGaT Center for Human Genetics Tuebingen
Classification: Uncertain significance. Last evaluated: 2018-10-01. Review status: criteria provided, single submitter. Criteria: CeGaT Center For Human Genetics Tuebingen Variant Classification Criteria Version 2. Collection method: clinical testing. Allele origin: germline. Affected: yes. Observed: 3 variant alleles.

Illumina Laboratory Services, Illumina
Classification: Uncertain significance for Generalized epilepsy-paroxysmal dyskinesia syndrome. Last evaluated: 2018-01-13. Review status: criteria provided, single submitter. Criteria: ICSL Variant Classification Criteria 13 December 2019. Collection method: clinical testing. Allele origin: germline.